The following is an entry in ClinVar:

NM_016252.4(BIRC6):c.8570C>G (p.Ser2857Cys)

Gene: BIRC6 (baculoviral IAP repeat containing 6; plus strand). Cytogenetic location: 2p22.3.
Variant type: single nucleotide variant.
Coding change: c.8570C>G on transcript NM_016252.4 (MANE Select); coding-DNA position 8570, C replaced by G.
Protein change: p.Ser2857Cys; replaces serine 2857 with cysteine.
Molecular consequence: missense variant.
Genome position (GRCh38, 1-based): chr2:32,499,648, C>G. VCF-style: chr2-32499648-C-G. GRCh37 (hg19) VCF-style: chr2-32724715-C-G.
Other names: c.8567C>G, p.Ser2856Cys (NM_001378125.1); short protein forms S2856C, S2857C.
Identifiers: ClinVar variation 3038130 (VCV003038130.2), dbSNP rs150127918, ClinGen allele CA1604372.
Genomic context (GRCh38, chr2:32,499,648, plus strand): 5'-TGAAGCTCTTAGAATTCACTCTGGAGCAGAATTTTGAAGTCGTTTCAGTTAGTACTATTT[C>G]TGCCGTGATAGAATCGGTTACATTTTTAGTGCACCACTATATCACTTGCTCAGACAAAGT-3'
Protein context (NP_057336.3, residues 2847-2867): NFEVVSVSTI[Ser2857Cys]AVIESVTFLV

ClinVar aggregate classification (germline): Likely benign (0 of 4 stars; one submission).

Conditions:
BIRC6-related disorder. Also called: BIRC6-related condition.

Allele frequency attached by ClinVar (database versions not stated): TOPMed 0.00123; gnomAD 0.00127; 1000 Genomes Project 30x 0.00141; ExAC 0.00152; 1000 Genomes Project 0.00160; ESP Exome Variant Server 0.00177.
gnomAD v4.1: 3,066 of 1,613,910 alleles (0.19%); highest among the groups gnomAD compares: South Asian, 0.53%; 5 homozygotes.

Submission:

PreventionGenetics, part of Exact Sciences
Classification: Likely benign for BIRC6-related condition. Last evaluated: 2019-02-20. Review status: no assertion criteria provided. Collection method: clinical testing. Allele origin: germline.
Comment: This variant is classified as likely benign based on ACMG/AMP sequence variant interpretation guidelines (Richards et al. 2015 PMID: 25741868, with internal and published modifications).